The following is an entry in ClinVar:

ClinVar aggregate classification (germline): Uncertain significance (1 of 4 stars; one submission).

Conditions:
Baller-Gerold syndrome (BGS). Also called: CRANIOSYNOSTOSIS WITH RADIAL DEFECTS. Identifiers: Orphanet 1225, MedGen C0265308, MONDO:0009039, OMIM 218600.

Allele frequency attached by ClinVar (database versions not stated): gnomAD exomes below 0.00001.
gnomAD v4.1: 1 of 1,608,872 alleles (0.000062%); highest among the groups gnomAD compares: South Asian, 0.0011%; no homozygotes.

Submission:

Labcorp Genetics (formerly Invitae), Labcorp
Classification: Uncertain significance for Baller-Gerold syndrome. Last evaluated: 2023-06-15. Review status: criteria provided, single submitter. Criteria: Invitae Variant Classification Sherloc (09022015). Collection method: clinical testing. Allele origin: germline.
Comment: In summary, the available evidence is currently insufficient to determine the role of this variant in disease. Therefore, it has been classified as a Variant of Uncertain Significance. Advanced modeling of protein sequence and biophysical properties (such as structural, functional, and spatial information, amino acid conservation, physicochemical variation, residue mobility, and thermodynamic stability) performed at Invitae indicates that this missense variant is expected to disrupt RECQL4 protein function. This variant has not been reported in the literature in individuals affected with RECQL4-related conditions. This variant is not present in population databases (gnomAD no frequency). This sequence change replaces glutamic acid, which is acidic and polar, with glycine, which is neutral and non-polar, at codon 1090 of the RECQL4 protein (p.Glu1090Gly).

NM_004260.4(RECQL4):c.3269A>G (p.Glu1090Gly)

Gene: RECQL4 (RecQ like helicase 4; minus strand). Cytogenetic location: 8q24.3.
Variant type: single nucleotide variant.
Coding change: c.3269A>G on transcript NM_004260.4 (MANE Select); coding-DNA position 3269, A replaced by G.
Protein change: p.Glu1090Gly; replaces glutamic acid 1090 with glycine.
Molecular consequence: missense variant. On other transcripts: non-coding transcript variant (3).
Genome position (GRCh38, 1-based): chr8:144,512,035, T>C on the plus strand (A>G on the coding strand, the complement: RECQL4 is on the minus strand). VCF-style: chr8-144512035-T-C. GRCh37 (hg19) VCF-style: chr8-145737418-T-C.
Other names: c.2975A>G, p.Glu992Gly (NM_001413017.1); c.3071A>G, p.Glu1024Gly (NM_001413018.1); c.3344A>G, p.Glu1115Gly (NM_001413019.1); c.3173A>G, p.Glu1058Gly (NM_001413020.1); c.2198A>G, p.Glu733Gly (NM_001413021.1, NM_001413022.1, NM_001413024.1 and 4 more transcripts); c.2273A>G, p.Glu758Gly (NM_001413023.1); c.3140A>G, p.Glu1047Gly (NM_001413025.1); c.2132A>G, p.Glu711Gly (NM_001413027.1, NM_001413030.1, NM_001413032.1); and 9 more; short protein forms E1024G, E1046G, E1047G, E723G, E733G, E973G, E992G, E1090G.
Identifiers: ClinVar variation 2839184 (VCV002839184.3), dbSNP rs2130655878, ClinGen allele CA372669128.
Genomic context (GRCh38, chr8:144,512,035, plus strand): 5'-TCCTCAAAGTAGCGGCCGAGCAGGTCCTTGAGCCTGGTGCTGCGCTCCTCATCCTGCTGC[T>C]CCAGGCAGGGCCCGCAGCTGGGGAAGGCTACGCTGTGGGGAGGAGCCTGTCAGAGCTGAT-3'
Protein context (NP_004251.4, residues 1080-1100): VAFPSCGPCL[Glu1090Gly]QQDEERSTRL